The following is an entry in ClinVar:

NM_198525.3(KIF7):c.608G>A (p.Arg203Gln)

Gene: KIF7 (kinesin family member 7; minus strand). Cytogenetic location: 15q26.1.
Variant type: single nucleotide variant.
Coding change: c.608G>A on transcript NM_198525.3 (MANE Select); coding-DNA position 608, G replaced by A.
Protein change: p.Arg203Gln; replaces arginine 203 with glutamine.
Molecular consequence: missense variant.
Genome position (GRCh38, 1-based): chr15:89,649,289, C>T on the plus strand (G>A on the coding strand, the complement: KIF7 is on the minus strand). VCF-style: chr15-89649289-C-T. GRCh37 (hg19) VCF-style: chr15-90192520-C-T.
Other names: short protein forms R203Q.
Identifiers: ClinVar variation 1419721 (VCV001419721.8), dbSNP rs1179864977, ClinGen allele CA393776107.

ClinVar aggregate classification (germline): Uncertain significance (1 of 4 stars; one submission).

Conditions:
Acrocallosal syndrome (ACLS). Also called: Schinzel syndrome 1; Absence of corpus callosum with unusual facial appearance, mental deficiency, duplication of the halluces and polydactyly; HALLUX DUPLICATION, POSTAXIAL POLYDACTYLY, AND ABSENCE OF CORPUS CALLOSUM. Identifiers: Orphanet 36, MedGen C0796147, MONDO:0008708, OMIM 200990.

Allele frequency attached by ClinVar (database versions not stated): TOPMed 0.00001.
gnomAD v4.1: 3 of 1,501,814 alleles (0.0002%); highest among the groups gnomAD compares: Non-Finnish European, 0.00027%; no homozygotes.

Submission:

Labcorp Genetics (formerly Invitae), Labcorp
Classification: Uncertain significance for Acrocallosal syndrome. Last evaluated: 2022-10-04. Review status: criteria provided, single submitter. Criteria: Invitae Variant Classification Sherloc (09022015). Collection method: clinical testing. Allele origin: germline.
Comment: In summary, the available evidence is currently insufficient to determine the role of this variant in disease. Therefore, it has been classified as a Variant of Uncertain Significance. Advanced modeling of protein sequence and biophysical properties (such as structural, functional, and spatial information, amino acid conservation, physicochemical variation, residue mobility, and thermodynamic stability) performed at Invitae indicates that this missense variant is not expected to disrupt KIF7 protein function. ClinVar contains an entry for this variant (Variation ID: 1419721). This variant has not been reported in the literature in individuals affected with KIF7-related conditions. This variant is not present in population databases (gnomAD no frequency). This sequence change replaces arginine, which is basic and polar, with glutamine, which is neutral and polar, at codon 203 of the KIF7 protein (p.Arg203Gln).